The following is an entry in ClinVar:

NM_015978.3(TNNI3K):c.965T>G (p.Val322Gly)

Genes: FPGT-TNNI3K (FPGT-TNNI3K readthrough; plus strand), TNNI3K (TNNI3 interacting kinase; plus strand). Cytogenetic location: 1p31.1.
Variant type: single nucleotide variant.
Coding change: c.965T>G on transcript NM_015978.3 (MANE Select); coding-DNA position 965, T replaced by G.
Protein change: p.Val322Gly; replaces valine 322 with glycine.
Molecular consequence: missense variant.
Genome position (GRCh38, 1-based): chr1:74,353,298, T>G. VCF-style: chr1-74353298-T-G. GRCh37 (hg19) VCF-style: chr1-74818982-T-G.
Other names: c.1268T>G, p.Val423Gly (NM_001112808.3, NM_001199327.2); short protein forms V322G, V423G.
Identifiers: ClinVar variation 1005906 (VCV001005906.6), dbSNP rs1259909842, ClinGen allele CA340783623.

ClinVar aggregate classification (germline): Uncertain significance (1 of 4 stars; one submission).

Allele frequency attached by ClinVar (database versions not stated): gnomAD 0.00001; gnomAD exomes 0.00001.
gnomAD v4.1: 33 of 1,613,628 alleles (0.002%); highest among the groups gnomAD compares: Non-Finnish European, 0.0027%; no homozygotes.

Submission:

Labcorp Genetics (formerly Invitae), Labcorp
Classification: Uncertain significance. Last evaluated: 2025-12-24. Review status: criteria provided, single submitter. Criteria: Invitae Variant Classification Sherloc (09022015). Collection method: clinical testing. Allele origin: germline.
Comment: This sequence change replaces valine, which is neutral and non-polar, with glycine, which is neutral and non-polar, at codon 322 of the TNNI3K protein (p.Val322Gly). The frequency data for this variant in the population databases is considered unreliable, as metrics indicate poor data quality at this position in the gnomAD database. This variant has not been reported in the literature in individuals affected with TNNI3K-related conditions. ClinVar contains an entry for this variant (Variation ID: 1005906). Invitae Evidence Modeling of protein sequence and biophysical properties (such as structural, functional, and spatial information, amino acid conservation, physicochemical variation, residue mobility, and thermodynamic stability) indicates that this missense variant is not expected to disrupt TNNI3K protein function with a negative predictive value of 80%. In summary, the available evidence is currently insufficient to determine the role of this variant in disease. Therefore, it has been classified as a Variant of Uncertain Significance.